The following is an entry in ClinVar:

NM_000059.4(BRCA2):c.1499G>T (p.Gly500Val)

Gene: BRCA2 (BRCA2 DNA repair associated; plus strand). Cytogenetic location: 13q13.1.
Variant type: single nucleotide variant.
Coding change: c.1499G>T on transcript NM_000059.4 (MANE Select); coding-DNA position 1499, G replaced by T.
Protein change: p.Gly500Val; replaces glycine 500 with valine.
Molecular consequence: missense variant.
Genome position (GRCh38, 1-based): chr13:32,332,977, G>T. VCF-style: chr13-32332977-G-T. GRCh37 (hg19) VCF-style: chr13-32907114-G-T.
Other names: short protein forms G500V.
Identifiers: ClinVar variation 422054 (VCV000422054.8), dbSNP rs1064795525, ClinGen allele CA16619660.

ClinVar aggregate classification (germline): Conflicting classifications of pathogenicity. Review status: criteria provided, conflicting classifications (1 of 4 stars). 4 submissions from 4 submitters: Uncertain significance (3); Likely benign (1). Last evaluated 2024-04-25.

Conditions:
Hereditary cancer-predisposing syndrome. Also called: Hereditary neoplastic syndrome; Neoplastic Syndromes, Hereditary; Tumor predisposition; Hereditary Cancer Syndrome. Identifiers: Orphanet 140162, MedGen C0027672, MeSH D009386, MONDO:0015356.
Hereditary breast ovarian cancer syndrome. Also called: BRCA1- and BRCA2-Associated Hereditary Breast and Ovarian Cancer; Hereditary breast and/or ovarian cancer syndrome; Hereditary breast and ovarian cancer syndrome; Hereditary breast and ovarian cancer; Hereditary breast and ovarian cancer syndrome (HBOC); Breast and ovarian cancer. Identifiers: Orphanet 145, MedGen C0677776, MeSH D061325, MONDO:0003582. Disease mechanism: loss of function.

Submissions (4):

Labcorp Genetics (formerly Invitae), Labcorp
Classification: Uncertain significance for Hereditary breast ovarian cancer syndrome. Last evaluated: 2024-04-25. Review status: criteria provided, single submitter. Criteria: Invitae Variant Classification Sherloc (09022015). Collection method: clinical testing. Allele origin: germline.
Comment: This sequence change replaces glycine, which is neutral and non-polar, with valine, which is neutral and non-polar, at codon 500 of the BRCA2 protein (p.Gly500Val). This variant is not present in population databases (gnomAD no frequency). This variant has not been reported in the literature in individuals affected with BRCA2-related conditions. ClinVar contains an entry for this variant (Variation ID: 422054). Advanced modeling of protein sequence and biophysical properties (such as structural, functional, and spatial information, amino acid conservation, physicochemical variation, residue mobility, and thermodynamic stability) performed at Invitae indicates that this missense variant is not expected to disrupt BRCA2 protein function with a negative predictive value of 95%. In summary, the available evidence is currently insufficient to determine the role of this variant in disease. Therefore, it has been classified as a Variant of Uncertain Significance.

University of Washington Department of Laboratory Medicine, University of Washington
Classification: Likely benign for Hereditary cancer-predisposing syndrome. Last evaluated: 2023-03-23. Review status: criteria provided, single submitter. Criteria: Dines et al. (Genet Med. 2020). Collection method: curation. Allele origin: germline.
Comment: Missense variant in a coldspot region where missense variants are very unlikely to be pathogenic (PMID:31911673).

BRCA2 exon 10 coldspot. Reclassification based on statistical prior probability.

Quest Diagnostics Nichols Institute San Juan Capistrano
Classification: Uncertain significance. Last evaluated: 2021-01-25. Review status: criteria provided, single submitter. Criteria: Quest Diagnostics criteria. Collection method: clinical testing. Allele origin: unknown.

GeneDx
Classification: Uncertain significance. Last evaluated: 2016-08-18. Review status: criteria provided, single submitter. Criteria: GeneDx Variant Classification (06012015). Collection method: clinical testing. Allele origin: germline. Affected: yes.
Comment: This variant is denoted BRCA2 c.1499G>T at the cDNA level, p.Gly500Val (G500V) at the protein level, and results in the change of a Glycine to a Valine (GGT>GTT). Using alternate nomenclature, this variant would be defined as BRCA2 1727G>T. This variant has not, to our knowledge, been published in the literature as pathogenic or benign. BRCA2 Gly500Val was not observed in approximately 6,500 individuals of European and African American ancestry in the NHLBI Exome Sequencing Project, suggesting it is not a common benign variant in these populations. Since Glycine and Valine share similar properties, this is considered a conservative amino acid substitution. BRCA2 Gly500Val occurs at a position that is not conserved and is not located in a known functional domain. In silico analyses are inconsistent regarding the effect this variant may have on protein structure and function. Based on currently available evidence, it is unclear whether BRCA2 Gly500Val is a pathogenic or benign variant. We consider it to be a variant of uncertain significance.